The following is an entry in ClinVar:

ClinVar aggregate classification (germline): Uncertain significance (1 of 4 stars; one submission).

Allele frequency attached by ClinVar (database versions not stated): gnomAD exomes below 0.00001.
gnomAD v4.1: 4 of 1,614,138 alleles (0.00025%); highest among the groups gnomAD compares: Non-Finnish European, 0.00025%; no homozygotes.

Submission:

Laboratory for Molecular Medicine, Mass General Brigham Personalized Medicine
Classification: Uncertain significance. Last evaluated: 2021-04-19. Review status: criteria provided, single submitter. Criteria: ACMG Guidelines, 2015. Collection method: clinical testing. Allele origin: germline.
Comment: The p.Glu115Val variant in TPM2 has not been previously reported in individuals with TPM2-related myopathy and was absent from large population studies. Computational prediction tools and conservation analyses suggest that this variant may impact the protein, though this information is not predictive enough to determine pathogenicity. In summary, the clinical significance of this variant is uncertain. ACMG/AMP Criteria applied: PM2_Supporting, PP3.

NM_003289.4(TPM2):c.344A>T (p.Glu115Val)

Gene: TPM2 (tropomyosin 2; minus strand). Cytogenetic location: 9p13.3.
Variant type: single nucleotide variant.
Coding change: c.344A>T on transcript NM_003289.4 (MANE Select); coding-DNA position 344, A replaced by T.
Protein change: p.Glu115Val; replaces glutamic acid 115 with valine.
Molecular consequence: missense variant.
Genome position (GRCh38, 1-based): chr9:35,685,677, T>A on the plus strand (A>T on the coding strand, the complement: TPM2 is on the minus strand). VCF-style: chr9-35685677-T-A. GRCh37 (hg19) VCF-style: chr9-35685674-T-A.
Other names: c.344A>T, p.Glu115Val (NM_001301226.2, NM_001301227.2, NM_213674.1); short protein forms E115V.
Identifiers: ClinVar variation 3075825 (VCV003075825.1), dbSNP rs2490684576, ClinGen allele CA373368083.